The following is an entry in ClinVar:

NM_004006.3(DMD):c.3324del (p.Asn1109fs)

Gene: DMD (dystrophin; minus strand). Cytogenetic location: Xp21.1.
Variant type: Deletion.
Coding change: c.3324del on transcript NM_004006.3 (MANE Select); coding-DNA position 3324, one base deleted (C; older notation c.3324delC).
Protein change: p.Asn1109fs; shifts the reading frame from asparagine 1109.
Molecular consequence: frameshift variant.
Genome position (GRCh38, 1-based): chrX:32,463,547, G deleted on the plus strand (C on the coding strand, the reverse complement: DMD is on the minus strand). VCF-style (leftmost placement, unchanged base first): chrX-32463546-TG-T. GRCh37 (hg19) VCF-style: chrX-32481663-TG-T.
Other names: c.3300del, p.Asn1101fs (NM_000109.4); c.3312del, p.Asn1105fs (NM_004009.3); c.2955del, p.Asn986fs (NM_004010.3); short protein forms N1101fs, N1105fs, N1109fs, N986fs.
Identifiers: ClinVar variation 2026479 (VCV002026479.4), dbSNP rs2524516123, ClinGen allele CA2580100691.

ClinVar aggregate classification (germline): Pathogenic (1 of 4 stars; one submission).

Conditions:
Duchenne muscular dystrophy (DMD). Also called: MUSCULAR DYSTROPHY, PSEUDOHYPERTROPHIC PROGRESSIVE, DUCHENNE TYPE; Duchenne Muscular Dystrophy (DMD). Identifiers: Orphanet 98896, MedGen C0013264, MONDO:0010679, OMIM 310200.

Submission:

Labcorp Genetics (formerly Invitae), Labcorp
Classification: Pathogenic for Duchenne muscular dystrophy. Last evaluated: 2022-08-23. Review status: criteria provided, single submitter. Criteria: Invitae Variant Classification Sherloc (09022015). Collection method: clinical testing. Allele origin: germline.
Comment: This sequence change creates a premature translational stop signal (p.Asn1109Metfs*7) in the DMD gene. It is expected to result in an absent or disrupted protein product. Loss-of-function variants in DMD are known to be pathogenic (PMID: 16770791, 25007885). This variant is not present in population databases (gnomAD no frequency). This variant has not been reported in the literature in individuals affected with DMD-related conditions. For these reasons, this variant has been classified as Pathogenic.

Literature cited by the submitters: PubMed 16770791; PubMed 25007885.